The following is an entry in ClinVar:

ClinVar aggregate classification (germline): Pathogenic. Review status: criteria provided, multiple submitters, no conflicts (2 of 4 stars). 3 submissions from 3 submitters: Pathogenic (3). Last evaluated 2021-07-15.

Conditions:
Peutz-Jeghers syndrome (PJS). Also called: POLYPOSIS, HAMARTOMATOUS INTESTINAL; POLYPS-AND-SPOTS SYNDROME; Peutz-Jeghers polyposis; Periorificial lentiginosis syndrome. Identifiers: Orphanet 2869, MedGen C0031269, MeSH D010580, MONDO:0008280, OMIM 175200.

Submissions (3):

Genome-Nilou Lab
Classification: Pathogenic for Peutz-Jeghers syndrome. Last evaluated: 2021-07-15. Review status: criteria provided, single submitter. Criteria: ACMG Guidelines, 2015. Collection method: clinical testing. Allele origin: germline. Affected: no.

Women's Health and Genetics/Laboratory Corporation of America, LabCorp
Classification: Pathogenic for Peutz-Jeghers syndrome. Last evaluated: 2019-02-11. Review status: criteria provided, single submitter. Criteria: LabCorp Variant Classification Summary - May 2015. Collection method: clinical testing. Allele origin: germline.
Comment: Variant summary: STK11 c.468C>G (p.Tyr156X) results in a premature termination codon, predicted to cause a truncation of the encoded protein or absence of the protein due to nonsense mediated decay, which are commonly known mechanisms for disease. The variant was absent in 220968 control chromosomes (gnomAD). c.468C>G has been reported in the literature in multiple individuals affected with Peutz-Jeghers Syndrome (Schumacher 2005, Korsse 2013). These data indicate that the variant is very likely to be associated with disease. To our knowledge, no experimental evidence demonstrating an impact on protein function has been reported. A ClinVar submission from a clinical diagnostic laboratory (evaluation after 2014) cites the variant as pathogenic. Based on the evidence outlined above, the variant was classified as pathogenic.

Labcorp Genetics (formerly Invitae), Labcorp
Classification: Pathogenic for Peutz-Jeghers syndrome. Last evaluated: 2018-02-15. Review status: criteria provided, single submitter. Criteria: Invitae Variant Classification Sherloc (09022015). Collection method: clinical testing. Allele origin: germline.
Comment: This variant is not present in population databases (ExAC no frequency). This sequence change creates a premature translational stop signal (p.Tyr156*) in the STK11 gene. It is expected to result in an absent or disrupted protein product. This variant has been reported in several individuals affected with Peutz-Jeghers syndrome (PMID: 15863673, 23240097, Invitae). For these reasons, this variant has been classified as Pathogenic. Loss-of-function variants in STK11 are known to be pathogenic (PMID: 15188174, 16287113).

Literature cited by the submitters: PubMed 15863673 (cited by Women's Health and Genetics/Laboratory Corporation of America, LabCorp and Labcorp Genetics (formerly Invitae), Labcorp); PubMed 23240097 (cited by Women's Health and Genetics/Laboratory Corporation of America, LabCorp and Labcorp Genetics (formerly Invitae), Labcorp); PubMed 15188174 (cited by Labcorp Genetics (formerly Invitae), Labcorp); PubMed 16287113 (cited by Labcorp Genetics (formerly Invitae), Labcorp).

NM_000455.5(STK11):c.468C>G (p.Tyr156Ter)

Gene: STK11 (serine/threonine kinase 11; plus strand). Cytogenetic location: 19p13.3.
Variant type: single nucleotide variant.
Coding change: c.468C>G on transcript NM_000455.5 (MANE Select); coding-DNA position 468, C replaced by G.
Protein change: p.Tyr156Ter; replaces tyrosine 156 with a stop codon.
Molecular consequence: nonsense.
Genome position (GRCh38, 1-based): chr19:1,220,376, C>G. VCF-style: chr19-1220376-C-G. GRCh37 (hg19) VCF-style: chr19-1220375-C-G.
Other names: short protein forms Y156*.
Identifiers: ClinVar variation 527815 (VCV000527815.11), dbSNP rs786201349, ClinGen allele CA402948779.